The following is an entry in ClinVar:

ClinVar aggregate classification (germline): Uncertain significance. Review status: criteria provided, multiple submitters, no conflicts (2 of 4 stars). 2 submissions from 2 submitters: Uncertain significance (2). Last evaluated 2024-04-05.

Conditions:
Cardiovascular phenotype. Identifiers: MedGen CN230736.
Legius syndrome. Identifiers: Orphanet 137605, MedGen C1969623, MONDO:0012669, OMIM 611431. Disease mechanism: loss of function.

Submissions (2):

Labcorp Genetics (formerly Invitae), Labcorp
Classification: Uncertain significance for Legius syndrome. Last evaluated: 2024-04-05. Review status: criteria provided, single submitter. Criteria: Invitae Variant Classification Sherloc (09022015). Collection method: clinical testing. Allele origin: germline.
Comment: This variant, c.526_528del, results in the deletion of 1 amino acid(s) of the SPRED1 protein (p.Ser176del), but otherwise preserves the integrity of the reading frame. This variant is present in population databases (rs763365429, gnomAD 0.007%). This variant has not been reported in the literature in individuals affected with SPRED1-related conditions. ClinVar contains an entry for this variant (Variation ID: 1396990). Experimental studies and prediction algorithms are not available or were not evaluated, and the functional significance of this variant is currently unknown. In summary, the available evidence is currently insufficient to determine the role of this variant in disease. Therefore, it has been classified as a Variant of Uncertain Significance.

Ambry Genetics
Classification: Uncertain significance for Cardiovascular phenotype. Last evaluated: 2021-06-25. Review status: criteria provided, single submitter. Criteria: Ambry Variant Classification Scheme 2023. Collection method: clinical testing. Allele origin: germline.
Comment: The c.526_528delTCT (p.S176del) alteration is located in exon 5 (coding exon 5) of the SPRED1 gene. This alteration consists of an in-frame deletion of 3 nucleotides between nucleotide positions c.526 and c.528, resulting in the deletion of 1 residue. Based on insufficient or conflicting evidence, the clinical significance of this alteration remains unclear.

NM_152594.3(SPRED1):c.526_528del (p.Ser176del)

Gene: SPRED1 (sprouty related EVH1 domain containing 1; plus strand). Cytogenetic location: 15q14.
Variant type: Deletion.
Coding change: c.526_528del on transcript NM_152594.3 (MANE Select); coding-DNA positions 526 to 528, 3 bases deleted (TCT; older notation c.526_528delTCT).
Protein change: p.Ser176del; deletes serine 176.
Molecular consequence: inframe deletion.
Genome position (GRCh38, 1-based): chr15:38,339,839-38,339,841, TCT deleted; deleting any 3 consecutive bases within chr15:38,339,837-38,339,841 gives the same sequence; the c. name uses the placement nearest the transcript's 3' end. VCF-style (leftmost placement, unchanged base first): chr15-38339836-CCTT-C. GRCh37 (hg19) VCF-style: chr15-38632037-CCTT-C.
Other names: c.526_528delTCT (NM_152594.2); short protein forms S176del.
Identifiers: ClinVar variation 1396990 (VCV001396990.9), dbSNP rs763365429, ClinGen allele CA7470107.